The following is an entry in ClinVar:

ClinVar aggregate classification (germline): Conflicting classifications of pathogenicity. Review status: criteria provided, conflicting classifications (1 of 4 stars). 3 submissions from 3 submitters: Uncertain significance (1); Likely benign (2). Last evaluated 2026-05-15.

Conditions:
COL4A6-related disorder. Also called: COL4A6-related condition.

Allele frequency attached by ClinVar (database versions not stated): gnomAD exomes 0.00002 and 0.00009; ExAC 0.00009; gnomAD 0.00026 and 0.00029; ESP Exome Variant Server 0.00028; TOPMed 0.00044.
gnomAD v4.1: 55 of 1,209,366 alleles (0.0045%); highest among the groups gnomAD compares: African/African-American, 0.08%; no homozygotes.

Submissions (3):

PreventionGenetics, part of Exact Sciences
Classification: Likely benign for COL4A6-related condition. Last evaluated: 2026-05-15. Review status: criteria provided, single submitter. Criteria: ACMG Guidelines, 2015. Collection method: clinical testing. Allele origin: germline.
Comment: This variant is classified as likely benign based on ACMG/AMP sequence variant interpretation guidelines (Richards et al. 2015 PMID: 25741868, with internal and published modifications).

Labcorp Genetics (formerly Invitae), Labcorp
Classification: Likely benign. Last evaluated: 2025-08-23. Review status: criteria provided, single submitter. Criteria: Invitae Variant Classification Sherloc (09022015). Collection method: clinical testing. Allele origin: germline.

Ambry Genetics
Classification: Uncertain significance. Last evaluated: 2024-03-18. Review status: criteria provided, single submitter. Criteria: Ambry Variant Classification Scheme 2023. Collection method: clinical testing. Allele origin: germline.

NM_033641.4(COL4A6):c.3070A>T (p.Ile1024Phe)

Gene: COL4A6 (collagen type IV alpha 6 chain; minus strand). Cytogenetic location: Xq22.3.
Variant type: single nucleotide variant.
Coding change: c.3070A>T on transcript NM_033641.4 (MANE Select); coding-DNA position 3070, A replaced by T.
Protein change: p.Ile1024Phe; replaces isoleucine 1024 with phenylalanine.
Molecular consequence: missense variant.
Genome position (GRCh38, 1-based): chrX:108,174,508, T>A on the plus strand (A>T on the coding strand, the complement: COL4A6 is on the minus strand). VCF-style: chrX-108174508-T-A. GRCh37 (hg19) VCF-style: chrX-107417738-T-A.
Other names: c.3073A>T (NM_001847.2, NM_001847.3); c.3121A>T, p.Ile1041Phe (NM_001287758.2); c.3070A>T, p.Ile1024Phe (NM_001287759.2, NM_001287760.2); c.3073A>T, p.Ile1025Phe (NM_001847.4); short protein forms I1024F, I1025F, I1041F.
Identifiers: ClinVar variation 1575328 (VCV001575328.10), dbSNP rs144126512, ClinGen allele CA10487508.
Genomic context (GRCh38, chrX:108,174,508, plus strand): 5'-CTGGCATTCCTGGGAAACCTGTGATCCCAGAGGACCCCTTCAGGCCAGGTAAGCCCCGGA[T>A]TCCCATGAAGCCAGGGGGCCCTGGCTTTCCACTAACTCCTTTGATAATGCCTGGGAGGCC-3'
Protein context (NP_378667.1, residues 1014-1034): GKPGPPGFMG[Ile1024Phe]RGLPGLKGSS